The following is an entry in ClinVar:

NM_001042492.3(NF1):c.2650G>C (p.Glu884Gln)

Gene: NF1 (neurofibromin 1; plus strand). Cytogenetic location: 17q11.2.
Variant type: single nucleotide variant.
Coding change: c.2650G>C on transcript NM_001042492.3 (MANE Select); coding-DNA position 2650, G replaced by C.
Protein change: p.Glu884Gln; replaces glutamic acid 884 with glutamine.
Molecular consequence: missense variant.
Genome position (GRCh38, 1-based): chr17:31,229,265, G>C. VCF-style: chr17-31229265-G-C. GRCh37 (hg19) VCF-style: chr17-29556283-G-C.
Other names: c.2650G>C, p.Glu884Gln (NM_000267.4); short protein forms E884Q.
Identifiers: ClinVar variation 4119137 (VCV004119137.1).

ClinVar aggregate classification (germline): Uncertain significance (1 of 4 stars; one submission).

Conditions:
Cardiovascular phenotype. Identifiers: MedGen CN230736.
Hereditary cancer-predisposing syndrome. Also called: Hereditary neoplastic syndrome; Neoplastic Syndromes, Hereditary; Tumor predisposition; Hereditary Cancer Syndrome. Identifiers: Orphanet 140162, MedGen C0027672, MeSH D009386, MONDO:0015356.

Submission:

Ambry Genetics
Classification: Uncertain significance for Cardiovascular phenotype; Hereditary cancer-predisposing syndrome. Last evaluated: 2025-08-11. Review status: criteria provided, single submitter. Criteria: Ambry Variant Classification Scheme 2023. Collection method: clinical testing. Allele origin: germline.
Comment: The p.E884Q variant (also known as c.2650G>C), located in coding exon 21 of the NF1 gene, results from a G to C substitution at nucleotide position 2650. The glutamic acid at codon 884 is replaced by glutamine, an amino acid with highly similar properties. This amino acid position is not well conserved in available vertebrate species. In addition, this alteration is predicted to be tolerated by in silico analysis. Based on the available evidence, the clinical significance of this variant remains unclear.